The following is an entry in ClinVar:

NM_001111067.4(ACVR1):c.1405T>G (p.Ser469Ala)

Gene: ACVR1 (activin A receptor type 1; minus strand). Cytogenetic location: 2q24.1.
Variant type: single nucleotide variant.
Coding change: c.1405T>G on transcript NM_001111067.4 (MANE Select); coding-DNA position 1405, T replaced by G.
Protein change: p.Ser469Ala; replaces serine 469 with alanine.
Molecular consequence: missense variant.
Genome position (GRCh38, 1-based): chr2:157,737,656, A>C on the plus strand (T>G on the coding strand, the complement: ACVR1 is on the minus strand). VCF-style: chr2-157737656-A-C. GRCh37 (hg19) VCF-style: chr2-158594168-A-C.
Other names: c.1405T>G, p.Ser469Ala (NM_001105.5, NM_001347663.1, NM_001347664.1 and 3 more transcripts); short protein forms S469A.
Identifiers: ClinVar variation 2956002 (VCV002956002.3), dbSNP rs757333055, ClinGen allele CA1918942.

ClinVar aggregate classification (germline): Uncertain significance (1 of 4 stars; one submission).

Allele frequency attached by ClinVar (database versions not stated): gnomAD 0.00001; ExAC 0.00002; gnomAD exomes 0.00001; TOPMed 0.00001.
gnomAD v4.1: 4 of 1,613,986 alleles (0.00025%); highest among the groups gnomAD compares: Admixed American, 0.0067%; no homozygotes.

Submission:

Labcorp Genetics (formerly Invitae), Labcorp
Classification: Uncertain significance. Last evaluated: 2025-12-30. Review status: criteria provided, single submitter. Criteria: Invitae Variant Classification Sherloc (09022015). Collection method: clinical testing. Allele origin: germline.
Comment: This sequence change replaces serine, which is neutral and polar, with alanine, which is neutral and non-polar, at codon 469 of the ACVR1 protein (p.Ser469Ala). This variant is present in population databases (rs757333055, gnomAD 0.009%). This variant has not been reported in the literature in individuals affected with ACVR1-related conditions. ClinVar contains an entry for this variant (Variation ID: 2956002). An algorithm developed to predict the effect of missense changes on protein structure and function (PolyPhen-2) suggests that this variant is likely to be tolerated. In summary, the available evidence is currently insufficient to determine the role of this variant in disease. Therefore, it has been classified as a Variant of Uncertain Significance.